The following is an entry in ClinVar:

NM_001114134.2(EPB42):c.1280G>A (p.Arg427His)

Gene: EPB42 (erythrocyte membrane protein band 4.2; minus strand). Cytogenetic location: 15q15.2.
Variant type: single nucleotide variant.
Coding change: c.1280G>A on transcript NM_001114134.2 (MANE Select); coding-DNA position 1280, G replaced by A.
Protein change: p.Arg427His; replaces arginine 427 with histidine.
Molecular consequence: missense variant.
Genome position (GRCh38, 1-based): chr15:43,207,237, C>T on the plus strand (G>A on the coding strand, the complement: EPB42 is on the minus strand). VCF-style: chr15-43207237-C-T. GRCh37 (hg19) VCF-style: chr15-43499435-C-T.
Other names: c.1370G>A, p.Arg457His (NM_000119.3); short protein forms R457H, R427H.
Identifiers: ClinVar variation 2348551 (VCV002348551.7), dbSNP rs377673168, ClinGen allele CA7520372.
Genomic context (GRCh38, chr15:43,207,237, plus strand): 5'-GGGGCCCTTCCCTGGCCCGTACCTTCAGGATACTTGTAGTTCTGAGTGATGTCCTCGCAG[C>T]GGTCACTGCCCACACCCTTGGTGCTGATGTTGTTGCCAACATACTTTGTGTTGGAGTCAG-3'
Protein context (NP_001107606.1, residues 417-437): NISTKGVGSD[Arg427His]CEDITQNYKY

ClinVar aggregate classification (germline): Conflicting classifications of pathogenicity. Review status: criteria provided, conflicting classifications (1 of 4 stars). 3 submissions from 3 submitters: Uncertain significance (2); Likely benign (1). Last evaluated 2025-10-31.

Conditions:
Inborn genetic diseases. Identifiers: MedGen C0950123, MeSH D030342.
Hereditary spherocytosis type 5. Also called: EPB42-Related Hereditary Spherocytosis; EPB42-Related Spherocytosis. Identifiers: Orphanet 822, MedGen C2675192, MONDO:0012985, OMIM 612690.

Allele frequency attached by ClinVar (database versions not stated): gnomAD exomes 0.00019; 1000 Genomes Project 0.00020; TOPMed 0.00022; ExAC 0.00027; gnomAD 0.00028; 1000 Genomes Project 30x 0.00031; ESP Exome Variant Server 0.00031.
gnomAD v4.1: 339 of 1,614,068 alleles (0.021%); highest among the groups gnomAD compares: East Asian, 0.053%; no homozygotes.

Submissions (3):

Labcorp Genetics (formerly Invitae), Labcorp
Classification: Uncertain significance. Last evaluated: 2025-10-31. Review status: criteria provided, single submitter. Criteria: Invitae Variant Classification Sherloc (09022015). Collection method: clinical testing. Allele origin: germline.
Comment: This sequence change replaces arginine, which is basic and polar, with histidine, which is basic and polar, at codon 457 of the EPB42 protein (p.Arg457His). This variant is present in population databases (rs377673168, gnomAD 0.1%). This missense change has been observed in individual(s) with spherocytosis (PMID: 39760301). ClinVar contains an entry for this variant (Variation ID: 2348551). An algorithm developed to predict the effect of missense changes on protein structure and function outputs the following: PolyPhen-2: "Benign". The histidine amino acid residue is found in multiple mammalian species, which suggests that this missense change does not adversely affect protein function. In summary, the available evidence is currently insufficient to determine the role of this variant in disease. Therefore, it has been classified as a Variant of Uncertain Significance.

Ambry Genetics
Classification: Uncertain significance for Inborn genetic diseases. Last evaluated: 2024-05-15. Review status: criteria provided, single submitter. Criteria: Ambry Variant Classification Scheme 2023. Collection method: clinical testing. Allele origin: germline.

Revvity Omics, Revvity
Classification: Likely benign for Hereditary spherocytosis type 5. Last evaluated: 2023-03-14. Review status: criteria provided, single submitter. Criteria: ACMG Guidelines, 2015. Collection method: clinical testing. Allele origin: germline.

Literature cited by the submitters: PubMed 39760301 (cited by Labcorp Genetics (formerly Invitae), Labcorp).